The following is an entry in ClinVar:

NM_001256071.3(RNF213):c.13782G>A (p.Ala4594=)

Genes: RNF213 (ring finger protein 213; plus strand), RNF213-AS1 (RNF213 antisense RNA 1; minus strand). Cytogenetic location: 17q25.3.
Variant type: single nucleotide variant.
Coding change: c.13782G>A on transcript NM_001256071.3 (MANE Select); coding-DNA position 13782, G replaced by A.
Protein change: p.Ala4594=; no amino-acid change (alanine 4594 retained).
Molecular consequence: synonymous variant.
Genome position (GRCh38, 1-based): chr17:80,380,972, G>A. VCF-style: chr17-80380972-G-A. GRCh37 (hg19) VCF-style: chr17-78354772-G-A.
Identifiers: ClinVar variation 771502 (VCV000771502.12), dbSNP rs145076497, ClinGen allele CA8822731.

ClinVar aggregate classification (germline): Benign/Likely benign. Review status: criteria provided, multiple submitters, no conflicts (2 of 4 stars). 4 submissions from 4 submitters: Benign (3); Likely benign (1). Last evaluated 2025-10-06.

Conditions:
RNF213-related disorder. Also called: RNF213-related condition.
Moyamoya disease 2 (MYMY2). Also called: MOYAMOYA DISEASE 2, SUSCEPTIBILITY TO. Identifiers: Orphanet 2573, MedGen C1846689, MONDO:0011784, OMIM 607151.

Allele frequency attached by ClinVar (database versions not stated): ESP Exome Variant Server 0.00062; gnomAD 0.00108 and 0.00135; TOPMed 0.00152; 1000 Genomes Project 30x 0.00297; 1000 Genomes Project 0.00319; ExAC 0.00322; gnomAD exomes 0.00335.
gnomAD v4.1: 2,559 of 1,614,146 alleles (0.16%); highest among the groups gnomAD compares: East Asian, 2.7%; 33 homozygotes.

Submissions (4):

Labcorp Genetics (formerly Invitae), Labcorp
Classification: Benign. Last evaluated: 2025-10-06. Review status: criteria provided, single submitter. Criteria: Invitae Variant Classification Sherloc (09022015). Collection method: clinical testing. Allele origin: germline.

PreventionGenetics, part of Exact Sciences
Classification: Benign for RNF213-related condition. Last evaluated: 2024-12-05. Review status: criteria provided, single submitter. Criteria: ACMG Guidelines, 2015. Collection method: clinical testing. Allele origin: germline.
Comment: This variant is classified as benign based on ACMG/AMP sequence variant interpretation guidelines (Richards et al. 2015 PMID: 25741868, with internal and published modifications).

Fulgent Genetics
Classification: Likely benign for Moyamoya disease 2. Last evaluated: 2022-03-16. Review status: criteria provided, single submitter. Criteria: ACMG Guidelines, 2015. Collection method: clinical testing. Allele origin: unknown.

Breakthrough Genomics
Classification: Benign. Review status: criteria provided, single submitter. Criteria: ACMG Guidelines, 2015. Collection method: not provided. Allele origin: germline. Inheritance: Autosomal dominant inheritance. Affected: yes.